The following is an entry in ClinVar:

NM_000426.4(LAMA2):c.5834C>G (p.Ala1945Gly)

Gene: LAMA2 (laminin subunit alpha 2; plus strand). Cytogenetic location: 6q22.33.
Variant type: single nucleotide variant.
Coding change: c.5834C>G on transcript NM_000426.4 (MANE Select); coding-DNA position 5834, C replaced by G.
Protein change: p.Ala1945Gly; replaces alanine 1945 with glycine.
Molecular consequence: missense variant.
Genome position (GRCh38, 1-based): chr6:129,403,928, C>G. VCF-style: chr6-129403928-C-G. GRCh37 (hg19) VCF-style: chr6-129725073-C-G.
Other names: c.5834C>G, p.Ala1945Gly (NM_001079823.2); short protein forms A1945G.
Identifiers: ClinVar variation 1472609 (VCV001472609.3), dbSNP rs1399615395, ClinGen allele CA365617441.
Genomic context (GRCh38, chr6:129,403,928, plus strand): 5'-TCAAAGCTTACAGCAATATTAAGGACTATATTGATGAAGCTGAGAAAGTTGCCAAAGAAG[C>G]CAAAGATCTTGCACATGAAGCTACAAAACTGGTAAGAAACAAATGGCACATGTGCTGGGA-3'
Protein context (NP_000417.3, residues 1935-1955): IDEAEKVAKE[Ala1945Gly]KDLAHEATKL

ClinVar aggregate classification (germline): Uncertain significance (1 of 4 stars; one submission).

Conditions:
LAMA2-related muscular dystrophy (LAMA2-RD). Also called: Laminin alpha 2-related dystrophy. Identifiers: MedGen C5679788, MONDO:0100228.

gnomAD v4.1: 1 of 1,613,874 alleles (0.000062%); highest among the groups gnomAD compares: Non-Finnish European, 0.000085%; no homozygotes.

Submission:

Labcorp Genetics (formerly Invitae), Labcorp
Classification: Uncertain significance for LAMA2-related muscular dystrophy. Last evaluated: 2022-02-05. Review status: criteria provided, single submitter. Criteria: Invitae Variant Classification Sherloc (09022015). Collection method: clinical testing. Allele origin: germline.
Comment: This sequence change replaces alanine, which is neutral and non-polar, with glycine, which is neutral and non-polar, at codon 1945 of the LAMA2 protein (p.Ala1945Gly). This variant is not present in population databases (gnomAD no frequency). This variant has not been reported in the literature in individuals affected with LAMA2-related conditions. Advanced modeling of protein sequence and biophysical properties (such as structural, functional, and spatial information, amino acid conservation, physicochemical variation, residue mobility, and thermodynamic stability) performed at Invitae indicates that this missense variant is not expected to disrupt LAMA2 protein function. In summary, the available evidence is currently insufficient to determine the role of this variant in disease. Therefore, it has been classified as a Variant of Uncertain Significance.